The following is an entry in ClinVar:

ClinVar aggregate classification (germline): Likely pathogenic (1 of 4 stars; one submission).

Conditions:
Heterotaxy, visceral, 6, autosomal (HTX6). Also called: Heterotaxy, visceral, 6, autosomal recessive. Identifiers: Orphanet 450, MedGen C3553676, MONDO:0013887, OMIM 614779.

gnomAD v4.1: 1 of 1,605,332 alleles (0.000062%); no homozygotes.

Submission:

Greenwood Genetic Center Diagnostic Laboratories, Greenwood Genetic Center
Classification: Likely pathogenic for Heterotaxy, visceral, 6, autosomal. Last evaluated: 2024-08-15. Review status: criteria provided, single submitter. Criteria: ACMG Guidelines, 2015. Collection method: clinical testing. Allele origin: germline. Affected: yes.
Comment: PVS1, PM2

NM_145020.5(CFAP53):c.1214-1G>A

Gene: CFAP53 (cilia and flagella associated protein 53; minus strand). Cytogenetic location: 18q21.1.
Variant type: single nucleotide variant.
Coding change: c.1214-1G>A on transcript NM_145020.5 (MANE Select); the canonical splice acceptor site of the intron before coding-DNA position 1214, G replaced by A.
Molecular consequence: splice acceptor variant.
Genome position (GRCh38, 1-based): chr18:50,238,706, C>T on the plus strand (G>A on the coding strand, the complement: CFAP53 is on the minus strand). VCF-style: chr18-50238706-C-T. GRCh37 (hg19) VCF-style: chr18-47765076-C-T.
Identifiers: ClinVar variation 3765586 (VCV003765586.1).